The following is an entry in ClinVar:

ClinVar aggregate classification (germline): Uncertain significance (1 of 4 stars; one submission).

Conditions:
Hereditary breast ovarian cancer syndrome. Also called: Breast and ovarian cancer; Hereditary breast and ovarian cancer; Hereditary breast and/or ovarian cancer syndrome; BRCA1- and BRCA2-Associated Hereditary Breast and Ovarian Cancer; Hereditary breast and ovarian cancer syndrome; Hereditary breast and ovarian cancer syndrome (HBOC). Identifiers: Orphanet 145, MedGen C0677776, MeSH D061325, MONDO:0003582. Disease mechanism: loss of function.

Submission:

Labcorp Genetics (formerly Invitae), Labcorp
Classification: Uncertain significance for Hereditary breast ovarian cancer syndrome. Last evaluated: 2023-03-26. Review status: criteria provided, single submitter. Criteria: Invitae Variant Classification Sherloc (09022015). Collection method: clinical testing. Allele origin: germline.
Comment: In summary, the available evidence is currently insufficient to determine the role of this variant in disease. Therefore, it has been classified as a Variant of Uncertain Significance. Algorithms developed to predict the effect of sequence changes on RNA splicing suggest that this variant may disrupt the consensus splice site. Advanced modeling of protein sequence and biophysical properties (such as structural, functional, and spatial information, amino acid conservation, physicochemical variation, residue mobility, and thermodynamic stability) performed at Invitae indicates that this missense variant is not expected to disrupt BRCA2 protein function. ClinVar contains an entry for this variant (Variation ID: 845335). This variant has not been reported in the literature in individuals affected with BRCA2-related conditions. This variant is not present in population databases (gnomAD no frequency). This sequence change replaces methionine, which is neutral and non-polar, with isoleucine, which is neutral and non-polar, at codon 124 of the BRCA2 protein (p.Met124Ile).

NM_000059.4(BRCA2):c.372G>A (p.Met124Ile)

Gene: BRCA2 (BRCA2 DNA repair associated; plus strand). Cytogenetic location: 13q13.1.
Variant type: single nucleotide variant.
Coding change: c.372G>A on transcript NM_000059.4 (MANE Select); coding-DNA position 372, G replaced by A.
Protein change: p.Met124Ile; replaces methionine 124 with isoleucine.
Molecular consequence: missense variant.
Genome position (GRCh38, 1-based): chr13:32,325,131, G>A. VCF-style: chr13-32325131-G-A. GRCh37 (hg19) VCF-style: chr13-32899268-G-A.
Other names: short protein forms M124I.
Identifiers: ClinVar variation 845335 (VCV000845335.10), dbSNP rs2072334758, ClinGen allele CA387756635.